The following is an entry in ClinVar:

ClinVar aggregate classification (germline): Pathogenic. Review status: criteria provided, multiple submitters, no conflicts (2 of 4 stars). 2 submissions from 2 submitters: Pathogenic (2). Last evaluated 2025-06-10.

Conditions:
Retinitis pigmentosa 25 (RP25). Identifiers: Orphanet 791, MedGen C1864446, MONDO:0011272, OMIM 602772.

Allele frequency attached by ClinVar (database versions not stated): gnomAD exomes below 0.00001.
gnomAD v4.1: 1 of 1,612,314 alleles (0.000062%); highest among the groups gnomAD compares: South Asian, 0.0011%; no homozygotes.

Submissions (2):

Myriad Genetics, Inc.
Classification: Pathogenic for Retinitis pigmentosa 25. Last evaluated: 2025-06-10. Review status: criteria provided, single submitter. Criteria: Myriad Autosomal Dominant, Autosomal Recessive and X-Linked Classification Criteria (2023). Collection method: clinical testing. Allele origin: unknown.
Comment: NM_001142800.1(EYS):c.810C>A(C270*) is expected to be pathogenic in the context of retinitis pigmentosa, EYS-related. This variant is predicted to lead to an abnormal or absent protein product due to the creation of a premature termination codon in EYS, a gene where loss-of-function variants are known to be pathogenic. Please note: this variant was assessed in the context of healthy population screening.

Labcorp Genetics (formerly Invitae), Labcorp
Classification: Pathogenic. Last evaluated: 2021-07-21. Review status: criteria provided, single submitter. Criteria: Invitae Variant Classification Sherloc (09022015). Collection method: clinical testing. Allele origin: germline.
Comment: For these reasons, this variant has been classified as Pathogenic. This variant has not been reported in the literature in individuals affected with EYS-related conditions. This variant is not present in population databases (ExAC no frequency). This sequence change creates a premature translational stop signal (p.Cys270*) in the EYS gene. It is expected to result in an absent or disrupted protein product. Loss-of-function variants in EYS are known to be pathogenic (PMID: 18836446, 20333770).

Literature cited by the submitters: PubMed 18836446 (cited by Labcorp Genetics (formerly Invitae), Labcorp); PubMed 20333770 (cited by Labcorp Genetics (formerly Invitae), Labcorp).

NM_001142800.2(EYS):c.810C>A (p.Cys270Ter)

Gene: EYS (EGF-like photoreceptor maintenance factor; minus strand). Cytogenetic location: 6q12.
Variant type: single nucleotide variant.
Coding change: c.810C>A on transcript NM_001142800.2 (MANE Select); coding-DNA position 810, C replaced by A.
Protein change: p.Cys270Ter; replaces cysteine 270 with a stop codon.
Molecular consequence: nonsense.
Genome position (GRCh38, 1-based): chr6:65,490,646, G>T on the plus strand (C>A on the coding strand, the complement: EYS is on the minus strand). VCF-style: chr6-65490646-G-T. GRCh37 (hg19) VCF-style: chr6-66200539-G-T.
Other names: c.810C>A, p.Cys270Ter (NM_001142801.2, NM_001292009.2, NM_198283.2); short protein forms C270*.
Identifiers: ClinVar variation 1458552 (VCV001458552.7), dbSNP rs2127266443, ClinGen allele CA364789068.
Genomic context (GRCh38, chr6:65,490,646, plus strand): 5'-TTTTTTACCTGAAAATTGCTCATCACATTCACAAATGAAACTATTTGAAGTAATATTGCT[G>T]CAGTTTCCATGGAAACAGACATGTGGTTGACACTGGCCAATTATTTCTGAGCAATTCTTT-3'